The following is an entry in ClinVar:

NM_001283009.2(RTEL1):c.540A>T (p.Glu180Asp)

Genes: RTEL1 (regulator of telomere elongation helicase 1; plus strand), RTEL1-TNFRSF6B (RTEL1-TNFRSF6B readthrough (NMD candidate); plus strand). Cytogenetic location: 20q13.33.
Variant type: single nucleotide variant.
Coding change: c.540A>T on transcript NM_001283009.2 (MANE Select); coding-DNA position 540, A replaced by T.
Protein change: p.Glu180Asp; replaces glutamic acid 180 with aspartic acid.
Molecular consequence: missense variant. On other transcripts: non-coding transcript variant (1), 5 prime UTR variant (1).
Genome position (GRCh38, 1-based): chr20:63,666,005, A>T. VCF-style: chr20-63666005-A-T. GRCh37 (hg19) VCF-style: chr20-62297358-A-T.
Other names: c.612A>T (NM_032957.4); c.-130A>T (NM_001283010.1); c.540A>T, p.Glu180Asp (NM_016434.4); c.612A>T, p.Glu204Asp (NM_032957.5); short protein forms E204D, E180D.
Identifiers: ClinVar variation 1466196 (VCV001466196.10), dbSNP rs1301531897, ClinGen allele CA409670432.
Genomic context (GRCh38, chr20:63,666,005, plus strand): 5'-GTGGTCTGGGACTTAGTGGACCCTGAGGGTGTGTGTTTACCCCTGCCTCACACCTGCAGA[A>T]AAAAGCCTGGAGCAGGAGCTGGCCAGCCCCATCCTGGACATTGAGGACTTGGTCAAGAGC-3'
Protein context (NP_001269938.1, residues 170-190): RSCHFYNNVE[Glu180Asp]KSLEQELASP

ClinVar aggregate classification (germline): Uncertain significance. Review status: criteria provided, multiple submitters, no conflicts (2 of 4 stars). 3 submissions from 3 submitters: Uncertain significance (3). Last evaluated 2025-09-29.

Conditions:
Dyskeratosis congenita, autosomal recessive 5 (DKCB5). Identifiers: MedGen C3554656, MONDO:0014076, OMIM 615190.
Pulmonary fibrosis and/or bone marrow failure, Telomere-related, 3. Also called: PULMONARY FIBROSIS AND/OR BONE MARROW FAILURE SYNDROME, TELOMERE-RELATED, 3. Identifiers: Orphanet 2032, MedGen C4225346, MONDO:0014613, OMIM 616373.
Inborn genetic diseases. Identifiers: MedGen C0950123, MeSH D030342.

Allele frequency attached by ClinVar (database versions not stated): TOPMed below 0.00001; gnomAD exomes below 0.00001.
gnomAD v4.1: 2 of 1,613,962 alleles (0.00012%); highest among the groups gnomAD compares: Non-Finnish European, 0.00017%; no homozygotes.

Submissions (3):

Labcorp Genetics (formerly Invitae), Labcorp
Classification: Uncertain significance for Dyskeratosis congenita, autosomal recessive 5; Pulmonary fibrosis and/or bone marrow failure, Telomere-related, 3. Last evaluated: 2025-09-29. Review status: criteria provided, single submitter. Criteria: Invitae Variant Classification Sherloc (09022015). Collection method: clinical testing. Allele origin: germline.
Comment: This sequence change replaces glutamic acid, which is acidic and polar, with aspartic acid, which is acidic and polar, at codon 180 of the RTEL1 protein (p.Glu180Asp). This variant is present in population databases (no rsID available, gnomAD 0.0009%). This variant has not been reported in the literature in individuals affected with RTEL1-related conditions. ClinVar contains an entry for this variant (Variation ID: 1466196). An algorithm developed to predict the effect of missense changes on protein structure and function (PolyPhen-2) suggests that this variant is likely to be tolerated. In summary, the available evidence is currently insufficient to determine the role of this variant in disease. Therefore, it has been classified as a Variant of Uncertain Significance.

Ambry Genetics
Classification: Uncertain significance for Inborn genetic diseases. Last evaluated: 2025-09-20. Review status: criteria provided, single submitter. Criteria: Ambry Variant Classification Scheme 2023. Collection method: clinical testing. Allele origin: germline.
Comment: The p.E180D variant (also known as c.540A>T), located in coding exon 6 of the RTEL1 gene, results from an A to T substitution at nucleotide position 540. The glutamic acid at codon 180 is replaced by aspartic acid, an amino acid with highly similar properties. This amino acid position is conserved. In addition, this alteration is predicted to be tolerated by in silico analysis. Based on the available evidence, the clinical significance of this variant remains unclear.

GeneDx
Classification: Uncertain significance. Last evaluated: 2025-06-15. Review status: criteria provided, single submitter. Criteria: GeneDx Variant Classification Process June 2021. Collection method: clinical testing. Allele origin: germline. Affected: yes.
Comment: Not observed at significant frequency in large population cohorts (gnomAD); In silico analysis suggests that this missense variant does not alter protein structure/function; Has not been previously published as pathogenic or benign to our knowledge